The following is an entry in ClinVar:

NM_013450.4(BAZ2B):c.35C>G (p.Ala12Gly)

Gene: BAZ2B (bromodomain adjacent to zinc finger domain 2B; minus strand). Cytogenetic location: 2q24.2.
Variant type: single nucleotide variant.
Coding change: c.35C>G on transcript NM_013450.4 (MANE Select); coding-DNA position 35, C replaced by G.
Protein change: p.Ala12Gly; replaces alanine 12 with glycine.
Molecular consequence: missense variant.
Genome position (GRCh38, 1-based): chr2:159,478,685, G>C on the plus strand (C>G on the coding strand, the complement: BAZ2B is on the minus strand). VCF-style: chr2-159478685-G-C. GRCh37 (hg19) VCF-style: chr2-160335196-G-C.
Other names: c.35C>G, p.Ala12Gly (NM_001289975.1, NM_001329857.2, NM_001329858.2); short protein forms A12G.
Identifiers: ClinVar variation 4686553 (VCV004686553.1).

ClinVar aggregate classification (germline): Uncertain significance (1 of 4 stars; one submission).

Submission:

GeneDx
Classification: Uncertain significance. Last evaluated: 2025-07-18. Review status: criteria provided, single submitter. Criteria: GeneDx Variant Classification Process June 2021. Collection method: clinical testing. Allele origin: germline. Affected: yes.
Comment: Not observed at significant frequency in large population cohorts (gnomAD); In silico analysis supports that this missense variant has a deleterious effect on protein structure/function; Has not been previously published as pathogenic or benign to our knowledge